The following is an entry in ClinVar:

ClinVar aggregate classification (germline): Uncertain significance (1 of 4 stars; one submission).

Allele frequency attached by ClinVar (database versions not stated): TOPMed below 0.00001.

Submission:

GeneDx
Classification: Uncertain significance. Last evaluated: 2023-02-02. Review status: criteria provided, single submitter. Criteria: GeneDx Variant Classification Process June 2021. Collection method: clinical testing. Allele origin: germline. Affected: yes.
Comment: Not observed at significant frequency in large population cohorts (gnomAD); In silico analysis supports that this missense variant does not alter protein structure/function; Has not been previously published as pathogenic or benign to our knowledge

NM_001145809.2(MYH14):c.1119G>A (p.Met373Ile)

Gene: MYH14 (myosin heavy chain 14; plus strand). Cytogenetic location: 19q13.33.
Variant type: single nucleotide variant.
Coding change: c.1119G>A on transcript NM_001145809.2 (MANE Select); coding-DNA position 1119, G replaced by A.
Protein change: p.Met373Ile; replaces methionine 373 with isoleucine.
Molecular consequence: missense variant.
Genome position (GRCh38, 1-based): chr19:50,244,246, G>A. VCF-style: chr19-50244246-G-A. GRCh37 (hg19) VCF-style: chr19-50747503-G-A.
Other names: c.1119G>A, p.Met373Ile (NM_001077186.2); c.1095G>A, p.Met365Ile (NM_024729.4); short protein forms M365I, M373I.
Identifiers: ClinVar variation 2574866 (VCV002574866.1), dbSNP rs2034005509, ClinGen allele CA406957554.